The following is an entry in ClinVar:

NM_001039213.4(CEACAM16):c.592G>A (p.Ala198Thr)

Genes: CEACAM16 (CEA cell adhesion molecule 16, tectorial membrane component; plus strand), CEACAM16-AS1 (CEACAM16, CEACAM19 and PVR antisense RNA 1; minus strand). Cytogenetic location: 19q13.32.
Variant type: single nucleotide variant.
Coding change: c.592G>A on transcript NM_001039213.4 (MANE Select); coding-DNA position 592, G replaced by A.
Protein change: p.Ala198Thr; replaces alanine 198 with threonine.
Molecular consequence: missense variant.
Genome position (GRCh38, 1-based): chr19:44,704,227, G>A. VCF-style: chr19-44704227-G-A. GRCh37 (hg19) VCF-style: chr19-45207497-G-A.
Other names: short protein forms A198T.
Identifiers: ClinVar variation 1219186 (VCV001219186.11), dbSNP rs754826882, ClinGen allele CA9503105.

ClinVar aggregate classification (germline): Uncertain significance. Review status: criteria provided, multiple submitters, no conflicts (2 of 4 stars). 5 submissions from 5 submitters: Uncertain significance (5). Last evaluated 2025-11-28.

Conditions:
CEACAM16-related disorder. Also called: CEACAM16-related condition.

Allele frequency attached by ClinVar (database versions not stated): gnomAD exomes 0.00001; TOPMed 0.00002; gnomAD 0.00003; ExAC 0.00005.

Submissions (5):

Women's Health and Genetics/Laboratory Corporation of America, LabCorp
Classification: Uncertain significance. Last evaluated: 2025-11-28. Review status: criteria provided, single submitter. Criteria: LabCorp Variant Classification Summary - May 2015. Collection method: clinical testing. Allele origin: germline.
Comment: Variant summary: CEACAM16 c.592G>A (p.Ala198Thr) results in a non-conservative amino acid change in the encoded protein sequence. Algorithms developed to predict the effect of missense changes on protein structure and function are either unavailable or do not agree on the potential impact of this missense change. The variant allele was found at a frequency of 6.6e-06 in 150914 control chromosomes. The available data on variant occurrences in the general population are insufficient to allow any conclusion about variant significance. To our knowledge, no occurrence of c.592G>A in individuals affected with CEACAM16-related conditions and no experimental evidence demonstrating its impact on protein function have been reported. ClinVar contains an entry for this variant (Variation ID: 1219186). Based on the evidence outlined above, the variant was classified as uncertain significance.

PreventionGenetics, part of Exact Sciences
Classification: Uncertain significance for CEACAM16-related condition. Last evaluated: 2025-05-25. Review status: criteria provided, single submitter. Criteria: ACMG Guidelines, 2015. Collection method: clinical testing. Allele origin: germline.
Comment: The CEACAM16 c.592G>A variant is predicted to result in the amino acid substitution p.Ala198Thr. To our knowledge, this variant has not been reported in the literature. This variant is reported in 0.0027% of alleles in individuals of European (Non-Finnish) descent in gnomAD. At this time, the clinical significance of this variant is uncertain due to the absence of conclusive functional and genetic evidence.

Labcorp Genetics (formerly Invitae), Labcorp
Classification: Uncertain significance. Last evaluated: 2022-09-10. Review status: criteria provided, single submitter. Criteria: Invitae Variant Classification Sherloc (09022015). Collection method: clinical testing. Allele origin: germline.
Comment: This variant has not been reported in the literature in individuals affected with CEACAM16-related conditions. The frequency data for this variant in the population databases is considered unreliable, as metrics indicate poor data quality at this position in the gnomAD database. This sequence change replaces alanine, which is neutral and non-polar, with threonine, which is neutral and polar, at codon 198 of the CEACAM16 protein (p.Ala198Thr). ClinVar contains an entry for this variant (Variation ID: 1219186). In summary, the available evidence is currently insufficient to determine the role of this variant in disease. Therefore, it has been classified as a Variant of Uncertain Significance. Advanced modeling of protein sequence and biophysical properties (such as structural, functional, and spatial information, amino acid conservation, physicochemical variation, residue mobility, and thermodynamic stability) performed at Invitae indicates that this missense variant is not expected to disrupt CEACAM16 protein function.

Blueprint Genetics
Classification: Uncertain significance. Last evaluated: 2022-04-25. Review status: criteria provided, single submitter. Criteria: ACMG Guidelines, 2015. Collection method: clinical testing. Allele origin: germline.

GeneDx
Classification: Uncertain significance. Last evaluated: 2020-07-08. Review status: criteria provided, single submitter. Criteria: GeneDx Variant Classification Process June 2021. Collection method: clinical testing. Allele origin: germline. Affected: yes.
Comment: In silico analysis, which includes protein predictors and evolutionary conservation, supports that this variant does not alter protein structure/function; Has not been previously published as pathogenic or benign to our knowledge